The following is an entry in ClinVar:

ClinVar aggregate classification (germline): Uncertain significance (1 of 4 stars; one submission).

Submission:

Labcorp Genetics (formerly Invitae), Labcorp
Classification: Uncertain significance. Last evaluated: 2024-01-15. Review status: criteria provided, single submitter. Criteria: Invitae Variant Classification Sherloc (09022015). Collection method: clinical testing. Allele origin: germline.
Comment: This sequence change replaces cysteine, which is neutral and slightly polar, with phenylalanine, which is neutral and non-polar, at codon 810 of the POLE protein (p.Cys810Phe). This variant is not present in population databases (gnomAD no frequency). This variant has not been reported in the literature in individuals affected with POLE-related conditions. ClinVar contains an entry for this variant (Variation ID: 1713435). Advanced modeling of protein sequence and biophysical properties (such as structural, functional, and spatial information, amino acid conservation, physicochemical variation, residue mobility, and thermodynamic stability) performed at Invitae indicates that this missense variant is expected to disrupt POLE protein function with a positive predictive value of 80%. In summary, the available evidence is currently insufficient to determine the role of this variant in disease. Therefore, it has been classified as a Variant of Uncertain Significance.

NM_006231.4(POLE):c.2429G>T (p.Cys810Phe)

Gene: POLE (DNA polymerase epsilon, catalytic subunit; minus strand). Cytogenetic location: 12q24.33.
Variant type: single nucleotide variant.
Coding change: c.2429G>T on transcript NM_006231.4 (MANE Select); coding-DNA position 2429, G replaced by T.
Protein change: p.Cys810Phe; replaces cysteine 810 with phenylalanine.
Molecular consequence: missense variant.
Genome position (GRCh38, 1-based): chr12:132,665,341, C>A on the plus strand (G>T on the coding strand, the complement: POLE is on the minus strand). VCF-style: chr12-132665341-C-A. GRCh37 (hg19) VCF-style: chr12-133241927-C-A.
Other names: short protein forms C810F.
Identifiers: ClinVar variation 1713435 (VCV001713435.5), dbSNP rs1565962279, ClinGen allele CA387397107.